The following is an entry in ClinVar:

ClinVar aggregate classification (germline): Likely benign (1 of 4 stars; one submission).

Allele frequency attached by ClinVar (database versions not stated): gnomAD 0.00725 and 0.00769; 1000 Genomes Project 30x 0.00937; 1000 Genomes Project 0.00859; TOPMed 0.00847.

Submission:

GeneDx
Classification: Likely benign. Last evaluated: 2018-06-16. Review status: criteria provided, single submitter. Criteria: GeneDx Variant Classification (06012015). Collection method: clinical testing. Allele origin: germline. Affected: yes.
Comment: This variant is considered likely benign or benign based on one or more of the following criteria: it is a conservative change, it occurs at a poorly conserved position in the protein, it is predicted to be benign by multiple in silico algorithms, and/or has population frequency not consistent with disease.

NM_001098511.2(KIF2A):c.-544A>G

Genes: KIF2A (kinesin family member 2A; plus strand), LOC129993961 (ATAC-STARR-seq lymphoblastoid silent region 16051; plus strand). Cytogenetic location: 5q12.1.
Variant type: single nucleotide variant.
Coding change: c.-544A>G on transcript NM_001098511.2; 544 bases upstream of the start codon, A replaced by G.
Genome position (GRCh38, 1-based): chr5:62,305,929, A>G. VCF-style: chr5-62305929-A-G. GRCh37 (hg19) VCF-style: chr5-61601756-A-G.
Identifiers: ClinVar variation 673524 (VCV000673524.3), dbSNP rs138838827, ClinGen allele CA120075609.